The following is an entry in ClinVar:

ClinVar aggregate classification (germline): Uncertain significance. Review status: criteria provided, multiple submitters, no conflicts (2 of 4 stars). 2 submissions from 2 submitters: Uncertain significance (2). Last evaluated 2024-05-19.

Conditions:
Hereditary cancer-predisposing syndrome. Also called: Hereditary Cancer Syndrome; Neoplastic Syndromes, Hereditary; Tumor predisposition; Hereditary neoplastic syndrome. Identifiers: Orphanet 140162, MedGen C0027672, MeSH D009386, MONDO:0015356.
Bloom syndrome (BLM). Also called: Bloom-Torre-Machacek syndrome. Identifiers: Orphanet 125, MedGen C0005859, MONDO:0008876, OMIM 210900.

Submissions (2):

Ambry Genetics
Classification: Uncertain significance for Hereditary cancer-predisposing syndrome. Last evaluated: 2024-05-19. Review status: criteria provided, single submitter. Criteria: Ambry Variant Classification Scheme 2023. Collection method: clinical testing. Allele origin: germline.
Comment: The p.P1401A variant (also known as c.4201C>G), located in coding exon 21 of the BLM gene, results from a C to G substitution at nucleotide position 4201. The proline at codon 1401 is replaced by alanine, an amino acid with highly similar properties. This amino acid position is conserved. In addition, this alteration is predicted to be tolerated by in silico analysis. Based on the available evidence, the clinical significance of this variant remains unclear.

Labcorp Genetics (formerly Invitae), Labcorp
Classification: Uncertain significance for Bloom syndrome. Last evaluated: 2023-08-25. Review status: criteria provided, single submitter. Criteria: Invitae Variant Classification Sherloc (09022015). Collection method: clinical testing. Allele origin: germline.
Comment: In summary, the available evidence is currently insufficient to determine the role of this variant in disease. Therefore, it has been classified as a Variant of Uncertain Significance. An algorithm developed to predict the effect of missense changes on protein structure and function (PolyPhen-2) suggests that this variant is likely to be tolerated. This variant has not been reported in the literature in individuals affected with BLM-related conditions. This variant is not present in population databases (gnomAD no frequency). This sequence change replaces proline, which is neutral and non-polar, with alanine, which is neutral and non-polar, at codon 1401 of the BLM protein (p.Pro1401Ala).

NM_000057.4(BLM):c.4201C>G (p.Pro1401Ala)

Gene: BLM (BLM RecQ like helicase; plus strand). Cytogenetic location: 15q26.1.
Variant type: single nucleotide variant.
Coding change: c.4201C>G on transcript NM_000057.4 (MANE Select); coding-DNA position 4201, C replaced by G.
Protein change: p.Pro1401Ala; replaces proline 1401 with alanine.
Molecular consequence: missense variant.
Genome position (GRCh38, 1-based): chr15:90,815,226, C>G. VCF-style: chr15-90815226-C-G. GRCh37 (hg19) VCF-style: chr15-91358456-C-G.
Other names: c.4201C>G, p.Pro1401Ala (NM_001287246.2); c.3808C>G, p.Pro1270Ala (NM_001287247.2); c.3076C>G, p.Pro1026Ala (NM_001287248.2); short protein forms P1401A, P1270A, P1026A.
Identifiers: ClinVar variation 2791973 (VCV002791973.4), dbSNP rs2505575726, ClinGen allele CA393852649.